The following is an entry in ClinVar:

NM_001379180.1(ESRRB):c.206C>T (p.Ala69Val)

Gene: ESRRB (estrogen related receptor beta; plus strand). Cytogenetic location: 14q24.3.
Variant type: single nucleotide variant.
Coding change: c.206C>T on transcript NM_001379180.1 (MANE Select); coding-DNA position 206, C replaced by T.
Protein change: p.Ala69Val; replaces alanine 69 with valine.
Molecular consequence: missense variant.
Genome position (GRCh38, 1-based): chr14:76,439,496, C>T. VCF-style: chr14-76439496-C-T. GRCh37 (hg19) VCF-style: chr14-76905839-C-T.
Other names: c.143C>T, p.Ala48Val (NM_004452.4); short protein forms A48V, A69V.
Identifiers: ClinVar variation 178342 (VCV000178342.26), dbSNP rs61760172, ClinGen allele CA182143.

ClinVar aggregate classification (germline): Conflicting classifications of pathogenicity. Review status: criteria provided, conflicting classifications (1 of 4 stars). 9 submissions from 9 submitters: Uncertain significance (2); Likely benign (6). 1 of the submissions does not count toward it. Last evaluated 2026-01-27.

Conditions:
ESRRB-related disorder. Also called: ESRRB-related condition.
Autosomal recessive nonsyndromic hearing loss 35. Identifiers: Orphanet 90636, MedGen C1837857, MONDO:0012060, OMIM 608565.

Allele frequency attached by ClinVar (database versions not stated): gnomAD exomes 0.00017 and 0.00035; ExAC 0.00045; ESP Exome Variant Server 0.00123; gnomAD 0.00151 and 0.00161; TOPMed 0.00167; 1000 Genomes Project 30x 0.00187; 1000 Genomes Project 0.00220.

Submissions (9):

Labcorp Genetics (formerly Invitae), Labcorp
Classification: Likely benign. Last evaluated: 2026-01-27. Review status: criteria provided, single submitter. Criteria: Invitae Variant Classification Sherloc (09022015). Collection method: clinical testing. Allele origin: germline.

Ambry Genetics
Classification: Uncertain significance. Last evaluated: 2025-08-02. Review status: criteria provided, single submitter. Criteria: Ambry Variant Classification Scheme 2023. Collection method: clinical testing. Allele origin: germline.

Mayo Clinic Laboratories, Mayo Clinic
Classification: Likely benign. Last evaluated: 2025-03-24. Review status: criteria provided, single submitter. Criteria: ACMG Guidelines, 2015. Collection method: clinical testing. Allele origin: germline. Observed: 1 variant allele.
Comment: BS1

Women's Health and Genetics/Laboratory Corporation of America, LabCorp
Classification: Likely benign. Last evaluated: 2024-12-10. Review status: criteria provided, single submitter. Criteria: LabCorp Variant Classification Summary - May 2015. Collection method: clinical testing. Allele origin: germline.
Comment: Variant summary: ESRRB c.143C>T (p.Ala48Val) results in a non-conservative amino acid change in the encoded protein sequence. Three of five in-silico tools predict a benign effect of the variant on protein function. The variant allele was found at a frequency of 0.00035 in 244822 control chromosomes, predominantly at a frequency of 0.005 within the African or African-American subpopulation in the gnomAD database. The observed variant frequency within African or African-American control individuals in the gnomAD database exceeds the estimated maximal expected allele frequency for a pathogenic variant in ESRRB causing Autosomal Recessive Nonsyndromic Hearing Loss 35 phenotype. To our knowledge, no occurrence of c.143C>T in individuals affected with Autosomal Recessive Nonsyndromic Hearing Loss 35 and no experimental evidence demonstrating its impact on protein function have been reported. ClinVar contains an entry for this variant (Variation ID: 178342). Based on the evidence outlined above, the variant was classified as likely benign.

GeneDx
Classification: Likely benign. Last evaluated: 2020-10-02. Review status: criteria provided, single submitter. Criteria: GeneDx Variant Classification Process June 2021. Collection method: clinical testing. Allele origin: germline. Affected: yes.

Illumina Laboratory Services, Illumina
Classification: Uncertain significance for Autosomal recessive nonsyndromic hearing loss 35. Last evaluated: 2018-01-13. Review status: criteria provided, single submitter. Criteria: ICSL Variant Classification Criteria 13 December 2019. Collection method: clinical testing. Allele origin: germline.

Eurofins Ntd Llc (ga)
Classification: Likely benign. Last evaluated: 2016-08-12. Review status: criteria provided, single submitter. Criteria: EGL Classification Definitions 2015. Collection method: clinical testing. Allele origin: germline. Observed: 1 variant allele, 1 heterozygote.

Laboratory for Molecular Medicine, Mass General Brigham Personalized Medicine
Classification: Likely benign. Last evaluated: 2012-04-30. Review status: criteria provided, single submitter. Criteria: LMM Criteria. Collection method: clinical testing. Allele origin: germline. Observed: 2 variant alleles.
Comment: Ala48Val in Exon 04 of ESRRB: This variant is not expected to have clinical sign ificance because it has been identified in 0.3% (12/3730) of African American ch romosomes from a broad population by the NHLBI Exome Sequencing Project (dbSNP rs61760172).

PreventionGenetics, part of Exact Sciences
Classification: Likely benign for ESRRB-related condition. Last evaluated: 2020-07-17. Review status: no assertion criteria provided. Collection method: clinical testing. Allele origin: germline. Not counted in ClinVar's aggregate classification.
Comment: This variant is classified as likely benign based on ACMG/AMP sequence variant interpretation guidelines (Richards et al. 2015 PMID: 25741868, with internal and published modifications).